The following is an entry in ClinVar:

NM_001048174.2(MUTYH):c.476A>C (p.Gln159Pro)

Gene: MUTYH (mutY DNA glycosylase; minus strand). Cytogenetic location: 1p34.1.
Variant type: single nucleotide variant.
Coding change: c.476A>C on transcript NM_001048174.2 (MANE Select); coding-DNA position 476, A replaced by C.
Protein change: p.Gln159Pro; replaces glutamine 159 with proline.
Molecular consequence: missense variant. On other transcripts: non-coding transcript variant (7).
Genome position (GRCh38, 1-based): chr1:45,332,779, T>G on the plus strand (A>C on the coding strand, the complement: MUTYH is on the minus strand). VCF-style: chr1-45332779-T-G. GRCh37 (hg19) VCF-style: chr1-45798451-T-G.
Other names: c.560A>C, p.Gln187Pro (NM_001128425.2); c.521A>C, p.Gln174Pro (NM_001293190.2); c.509A>C, p.Gln170Pro (NM_001293191.2, NM_001407069.1, NM_001407077.1); c.200A>C, p.Gln67Pro (NM_001293192.2, NM_001293196.2, NM_001407091.1); c.476A>C, p.Gln159Pro (NM_001293195.2, NM_001407081.1, NM_001407088.1 and 6 more transcripts); c.131A>C, p.Gln44Pro (NM_001350650.2, NM_001407082.1, NM_001350651.2); c.434A>C, p.Gln145Pro (NM_001407080.1); c.518A>C, p.Gln173Pro (NM_001407083.1, NM_001407085.1); and 5 more; short protein forms Q131P, Q159P, Q174P, Q44P, Q146P, Q170P, Q173P, Q145P.
Identifiers: ClinVar variation 3297069 (VCV003297069.2).

ClinVar aggregate classification (germline): Uncertain significance. Review status: criteria provided, multiple submitters, no conflicts (2 of 4 stars). 2 submissions from 2 submitters: Uncertain significance (2). Last evaluated 2025-09-04.

Conditions:
Hereditary cancer-predisposing syndrome. Also called: Neoplastic Syndromes, Hereditary; Hereditary Cancer Syndrome; Hereditary neoplastic syndrome; Tumor predisposition. Identifiers: Orphanet 140162, MedGen C0027672, MeSH D009386, MONDO:0015356.
Familial adenomatous polyposis 2. Also called: FAP type 2; COLORECTAL ADENOMATOUS POLYPOSIS, AUTOSOMAL RECESSIVE; ADENOMAS, MULTIPLE COLORECTAL, AUTOSOMAL RECESSIVE; MUTYH-associated polyposis; MUTYH-related attenuated familial adenomatous polyposis; MYH-associated polyposis. Identifiers: Orphanet 220460, Orphanet 247798, MedGen C3272841, MONDO:0012041, OMIM 608456.

Submissions (2):

Labcorp Genetics (formerly Invitae), Labcorp
Classification: Uncertain significance for Familial adenomatous polyposis 2. Last evaluated: 2025-09-04. Review status: criteria provided, single submitter. Criteria: Invitae Variant Classification Sherloc (09022015). Collection method: clinical testing. Allele origin: germline.
Comment: This sequence change replaces glutamine, which is neutral and polar, with proline, which is neutral and non-polar, at codon 187 of the MUTYH protein (p.Gln187Pro). This variant is not present in population databases (gnomAD no frequency). This variant has not been reported in the literature in individuals affected with MUTYH-related conditions. ClinVar contains an entry for this variant (Variation ID: 3297069). An algorithm developed to predict the effect of missense changes on protein structure and function (PolyPhen-2) suggests that this variant is likely to be disruptive. In summary, the available evidence is currently insufficient to determine the role of this variant in disease. Therefore, it has been classified as a Variant of Uncertain Significance.

Ambry Genetics
Classification: Uncertain significance for Hereditary cancer-predisposing syndrome. Last evaluated: 2024-04-18. Review status: criteria provided, single submitter. Criteria: Ambry Variant Classification Scheme 2023. Collection method: clinical testing. Allele origin: germline.